The following is an entry in ClinVar:

ClinVar aggregate classification (germline): Uncertain significance (1 of 4 stars; one submission).

Conditions:
Dilated cardiomyopathy 1P (CMD1P). Identifiers: Orphanet 154, MedGen C1835928, MONDO:0012362, OMIM 609909.

Submission:

Labcorp Genetics (formerly Invitae), Labcorp
Classification: Uncertain significance for Dilated cardiomyopathy 1P. Last evaluated: 2021-02-23. Review status: criteria provided, single submitter. Criteria: Invitae Variant Classification Sherloc (09022015). Collection method: clinical testing. Allele origin: germline.
Comment: This sequence change replaces leucine with isoleucine at codon 42 of the PLN protein (p.Leu42Ile). The leucine residue is highly conserved and there is a small physicochemical difference between leucine and isoleucine. This variant is not present in population databases (ExAC no frequency). In summary, the available evidence is currently insufficient to determine the role of this variant in disease. Therefore, it has been classified as a Variant of Uncertain Significance. Algorithms developed to predict the effect of missense changes on protein structure and function are either unavailable or do not agree on the potential impact of this missense change (SIFT: "Deleterious"; PolyPhen-2: "Possibly Damaging"; Align-GVGD: "Class C0"). This variant has not been reported in the literature in individuals with PLN-related conditions.

NM_002667.5(PLN):c.124C>A (p.Leu42Ile)

Genes: PLN (phospholamban; plus strand), CEP85L (centrosomal protein 85L; minus strand). Cytogenetic location: 6q22.31.
Variant type: single nucleotide variant.
Coding change: c.124C>A on transcript NM_002667.5 (MANE Select); coding-DNA position 124, C replaced by A.
Protein change: p.Leu42Ile; replaces leucine 42 with isoleucine.
Molecular consequence: missense variant. On other transcripts: intron variant (3).
Genome position (GRCh38, 1-based): chr6:118,559,045, C>A. VCF-style: chr6-118559045-C-A. GRCh37 (hg19) VCF-style: chr6-118880208-C-A.
Other names: c.1029+6484G>T (NM_001178035.2); c.1020+6484G>T (NM_001042475.3, NM_206921.3); short protein forms L42I.
Identifiers: ClinVar variation 1375385 (VCV001375385.8), dbSNP rs2114970183, ClinGen allele CA365546645.